The following is an entry in ClinVar:

NM_005633.4(SOS1):c.2764A>G (p.Ile922Val)

Gene: SOS1 (SOS Ras/Rac guanine nucleotide exchange factor 1; minus strand). Cytogenetic location: 2p22.1.
Variant type: single nucleotide variant.
Coding change: c.2764A>G on transcript NM_005633.4 (MANE Select); coding-DNA position 2764, A replaced by G.
Protein change: p.Ile922Val; replaces isoleucine 922 with valine.
Molecular consequence: missense variant.
Genome position (GRCh38, 1-based): chr2:39,006,439, T>C on the plus strand (A>G on the coding strand, the complement: SOS1 is on the minus strand). VCF-style: chr2-39006439-T-C. GRCh37 (hg19) VCF-style: chr2-39233580-T-C.
Other names: c.2743A>G, p.Ile915Val (NM_001382394.1); c.2764A>G, p.Ile922Val (NM_001382395.1); short protein forms I915V, I922V.
Identifiers: ClinVar variation 1698762 (VCV001698762.7), dbSNP rs780420674, ClinGen allele CA1624335.

ClinVar aggregate classification (germline): Uncertain significance. Review status: criteria provided, multiple submitters, no conflicts (2 of 4 stars). 2 submissions from 2 submitters: Uncertain significance (2). Last evaluated 2025-09-03.

Conditions:
RASopathy. Also called: rasopathies; Noonan spectrum disorder. Identifiers: Orphanet 536391, MedGen C5555857, MONDO:0021060.
Noonan syndrome 4 (NS4). Also called: SOS1-Related Noonan Syndrome; NOONAN SYNDROME WITH PIGMENTED VILLONODULAR SYNOVITIS. Identifiers: Orphanet 648, MedGen C1853120, MONDO:0012547, OMIM 610733.

Allele frequency attached by ClinVar (database versions not stated): gnomAD exomes below 0.00001; ExAC 0.00001; TOPMed 0.00001.
gnomAD v4.1: 2 of 1,563,764 alleles (0.00013%); highest among the groups gnomAD compares: East Asian, 0.0022%; no homozygotes.

Submissions (2):

Labcorp Genetics (formerly Invitae), Labcorp
Classification: Uncertain significance for RASopathy. Last evaluated: 2025-09-03. Review status: criteria provided, single submitter. Criteria: Invitae Variant Classification Sherloc (09022015). Collection method: clinical testing. Allele origin: germline.
Comment: This sequence change replaces isoleucine, which is neutral and non-polar, with valine, which is neutral and non-polar, at codon 922 of the SOS1 protein (p.Ile922Val). This variant is present in population databases (rs780420674, gnomAD 0.006%). This variant has not been reported in the literature in individuals affected with SOS1-related conditions. ClinVar contains an entry for this variant (Variation ID: 1698762). Invitae Evidence Modeling of protein sequence and biophysical properties (such as structural, functional, and spatial information, amino acid conservation, physicochemical variation, residue mobility, and thermodynamic stability) has been performed for this missense variant. However, the output from this modeling did not meet the statistical confidence thresholds required to predict the impact of this variant on SOS1 protein function. In summary, the available evidence is currently insufficient to determine the role of this variant in disease. Therefore, it has been classified as a Variant of Uncertain Significance.

Genetics and Molecular Pathology, SA Pathology
Classification: Uncertain significance for Noonan syndrome 4. Last evaluated: 2020-04-03. Review status: criteria provided, single submitter. Criteria: ACMG Guidelines, 2015. Collection method: clinical testing. Allele origin: germline. Affected: yes.
Comment: The SOS1 c.2764A>G variant is a single nucleotide change from an adenine to a guanine at position 2764 which is predicted to change the isoleucine at position 922 in the protein to valine. The variant has not been described in the literature to date. The variant is in dbSNP (rs780420674) and has been reported once in population databases (gnomAD 1/250838, 0 homozygotes) (PM2). The variant has not been reported in the ClinVar or HGMD disease databases. Computational predictions are conflicting: the residue is conserved but in silico tools predict a benign effect (neither BP4 or PP3 applied).